The following is an entry in ClinVar:

GRCh38/hg38 20p13(chr20:89939-975656)x1

Genes: ANGPT4 (angiopoietin 4; minus strand), C20orf96 (chromosome 20 open reading frame 96; minus strand), CSNK2A1 (casein kinase 2 alpha 1; minus strand), DEFB125 (defensin beta 125; plus strand), DEFB126 (defensin beta 126; plus strand) and 61 more. Cytogenetic location: 20p13.
Variant type: copy number loss.
Change: copy number 1 (one copy instead of two) of chr20:89,939-975,656 (885.7 kb, GRCh38 coordinates, 1-based), cytogenetic band 20p13.
Identifiers: ClinVar variation 58941 (VCV000058941.1).

ClinVar aggregate classification (germline): Pathogenic (1 of 4 stars; one submission).

Submission:

ISCA site 17
Classification: Pathogenic. Last evaluated: 2011-08-12. Review status: criteria provided, single submitter. Criteria: Kaminsky et al. (Genet Med. 2011). Collection method: clinical testing. Allele origin: paternal. Affected: yes. Observed: 1 variant allele.
Comment: Copy number variation identified through the course of routine clinical cytogenomic testing in postnatal populations. Clinical assertions have been curated as described in Kaminsky et al. 2011.